The following is an entry in ClinVar:

ClinVar aggregate classification (germline): Pathogenic (1 of 4 stars; one submission).

Conditions:
Inborn genetic diseases. Identifiers: MedGen C0950123, MeSH D030342.

Submission:

Ambry Genetics
Classification: Pathogenic for Inborn genetic diseases. Last evaluated: 2024-09-11. Review status: criteria provided, single submitter. Criteria: Ambry Variant Classification Scheme 2023. Collection method: clinical testing. Allele origin: germline.
Comment: The c.4003C>T (p.Q1335*) alteration, located in exon 18 (coding exon 18) of the MED13L gene, consists of a C to T substitution at nucleotide position 4003. This changes the amino acid from a glutamine (Q) to a stop codon at amino acid position 1335. This alteration is expected to result in loss of function by premature protein truncation or nonsense-mediated mRNA decay. This variant was not reported in population-based cohorts in the Genome Aggregation Database (gnomAD). Based on the available evidence, this alteration is classified as pathogenic.

NM_015335.5(MED13L):c.4003C>T (p.Gln1335Ter)

Gene: MED13L (mediator complex subunit 13L; minus strand). Cytogenetic location: 12q24.21.
Variant type: single nucleotide variant.
Coding change: c.4003C>T on transcript NM_015335.5 (MANE Select); coding-DNA position 4003, C replaced by T.
Protein change: p.Gln1335Ter; replaces glutamine 1335 with a stop codon.
Molecular consequence: nonsense.
Genome position (GRCh38, 1-based): chr12:115,987,220, G>A on the plus strand (C>T on the coding strand, the complement: MED13L is on the minus strand). VCF-style: chr12-115987220-G-A. GRCh37 (hg19) VCF-style: chr12-116425025-G-A.
Other names: short protein forms Q1335*.
Identifiers: ClinVar variation 3394565 (VCV003394565.1).
Genomic context (GRCh38, chr12:115,987,220, plus strand): 5'-CCTGCACATGCTGGATGTTCTCCCAGGTCCTGCCCGTGCGCTTCTTTTGGATGGCATCTT[G>A]GAGAAAGGGCTGCAGGGACAACAGCATACGAACCACATCCTGGGAGGAGAGCATGCTGAT-3'